The following is an entry in ClinVar:

NM_018713.3(SLC30A10):c.1185C>G (p.Asp395Glu)

Gene: SLC30A10 (solute carrier family 30 member 10; minus strand). Cytogenetic location: 1q41.
Variant type: single nucleotide variant.
Coding change: c.1185C>G on transcript NM_018713.3 (MANE Select); coding-DNA position 1185, C replaced by G.
Protein change: p.Asp395Glu; replaces aspartic acid 395 with glutamic acid.
Molecular consequence: missense variant. On other transcripts: non-coding transcript variant (2).
Genome position (GRCh38, 1-based): chr1:219,915,722, G>C on the plus strand (C>G on the coding strand, the complement: SLC30A10 is on the minus strand). VCF-style: chr1-219915722-G-C. GRCh37 (hg19) VCF-style: chr1-220089064-G-C.
Other names: c.996C>G, p.Asp332Glu (NM_001376929.1); c.510C>G, p.Asp170Glu (NM_001416004.1, NM_001416005.1); short protein forms D332E, D395E, D170E.
Identifiers: ClinVar variation 1980668 (VCV001980668.4), dbSNP rs780212700, ClinGen allele CA1399153.
Genomic context (GRCh38, chr1:219,915,722, plus strand): 5'-ACAACACAGCTGCTTAGCACAGCCCTTGGAGATGCAGGGTGAGTTGCAGAGCAACAGTAA[G>C]TCCTTCTGCTCCAGGGGTTCCTTCAAGTCCACATTTTCAAACTGGATGGTCACATTGTGG-3'
Protein context (NP_061183.2, residues 385-405): VDLKEPLEQK[Asp395Glu]LLLLCNSPCI

ClinVar aggregate classification (germline): Uncertain significance (1 of 4 stars; one submission).

Allele frequency attached by ClinVar (database versions not stated): ExAC 0.00001; gnomAD 0.00001; TOPMed 0.00001.
gnomAD v4.1: 11 of 1,614,104 alleles (0.00068%); highest among the groups gnomAD compares: Non-Finnish European, 0.00093%; no homozygotes.

Submission:

Labcorp Genetics (formerly Invitae), Labcorp
Classification: Uncertain significance. Last evaluated: 2021-11-30. Review status: criteria provided, single submitter. Criteria: Invitae Variant Classification Sherloc (09022015). Collection method: clinical testing. Allele origin: germline.
Comment: In summary, the available evidence is currently insufficient to determine the role of this variant in disease. Therefore, it has been classified as a Variant of Uncertain Significance. Algorithms developed to predict the effect of missense changes on protein structure and function output the following: SIFT: "Tolerated"; PolyPhen-2: "Benign"; Align-GVGD: "Class C0". The glutamic acid amino acid residue is found in multiple mammalian species, which suggests that this missense change does not adversely affect protein function. This variant has not been reported in the literature in individuals affected with SLC30A10-related conditions. This variant is present in population databases (rs780212700, gnomAD 0.004%). This sequence change replaces aspartic acid, which is acidic and polar, with glutamic acid, which is acidic and polar, at codon 395 of the SLC30A10 protein (p.Asp395Glu).